The following is an entry in ClinVar:

ClinVar aggregate classification (germline): Uncertain significance (1 of 4 stars; one submission).

Conditions:
Nephronophthisis. Also called: Juvenile Nephronophthisis. Identifiers: Orphanet 655, MedGen C0687120, MONDO:0019005, HP:0000090.

Submission:

Labcorp Genetics (formerly Invitae), Labcorp
Classification: Uncertain significance for Nephronophthisis. Last evaluated: 2020-12-21. Review status: criteria provided, single submitter. Criteria: Invitae Variant Classification Sherloc (09022015). Collection method: clinical testing. Allele origin: germline.
Comment: In summary, the available evidence is currently insufficient to determine the role of this variant in disease. Therefore, it has been classified as a Variant of Uncertain Significance. Experimental studies and prediction algorithms are not available or were not evaluated, and the functional significance of this variant is currently unknown. This variant has not been reported in the literature in individuals with NPHP1-related conditions. This variant results in a copy number gain of the genomic region encompassing exon(s) 1 of the NPHP1 gene. This region includes the initiator codon of the gene. The 5' end of this event is unknown as it extends beyond the assayed region for this gene and therefore may encompass additional genes. The 3' boundary is likely confined to intron 1 of the NPHP1 gene. As the precise location of this event is unknown, it may be in tandem or it may be located elsewhere in the genome.

NC_000002.11:g.(?_110962457)_(110962545_?)dup

Gene: NPHP1 (nephrocystin 1; minus strand). Cytogenetic location: 2q13.
Variant type: Duplication.
Identifiers: ClinVar variation 1372651 (VCV001372651.4).